The following is an entry in ClinVar:

ClinVar aggregate classification (germline): Uncertain significance (1 of 4 stars; one submission).

Conditions:
Cystic fibrosis (CF). Also called: MUCOVISCIDOSIS. Identifiers: Orphanet 586, MedGen C0010674, MONDO:0009061, OMIM 219700. Disease mechanism: loss of function.

Submission:

Labcorp Genetics (formerly Invitae), Labcorp
Classification: Uncertain significance for Cystic fibrosis. Last evaluated: 2022-03-05. Review status: criteria provided, single submitter. Criteria: Invitae Variant Classification Sherloc (09022015). Collection method: clinical testing. Allele origin: germline.
Comment: In summary, the available evidence is currently insufficient to determine the role of this variant in disease. Therefore, it has been classified as a Variant of Uncertain Significance. Experimental studies and prediction algorithms are not available or were not evaluated, and the functional significance of this variant is currently unknown. This variant has not been reported in the literature in individuals affected with CFTR-related conditions. This variant results in a copy number gain of the genomic region encompassing exon(s) 11-22 of the CFTR gene. While the exact position of this variant cannot be determined from the data, sub-genic copy number gains are generally in tandem (PMID: 25640679). This variant is predicted to be in-frame, and likely preserves the integrity of the reading frame.

Literature cited by the submitters: PubMed 25640679.

NC_000007.13:g.(?_117199476)_(117280016_?)dup

Gene: CFTR (CF transmembrane conductance regulator; plus strand). Cytogenetic location: 7q31.2.
Variant type: Duplication.
Identifiers: ClinVar variation 1476187 (VCV001476187.5).